The following is an entry in ClinVar:

NM_006231.4(POLE):c.4616A>G (p.Glu1539Gly)

Gene: POLE (DNA polymerase epsilon, catalytic subunit; minus strand). Cytogenetic location: 12q24.33.
Variant type: single nucleotide variant.
Coding change: c.4616A>G on transcript NM_006231.4 (MANE Select); coding-DNA position 4616, A replaced by G.
Protein change: p.Glu1539Gly; replaces glutamic acid 1539 with glycine.
Molecular consequence: missense variant.
Genome position (GRCh38, 1-based): chr12:132,642,932, T>C on the plus strand (A>G on the coding strand, the complement: POLE is on the minus strand). VCF-style: chr12-132642932-T-C. GRCh37 (hg19) VCF-style: chr12-133219518-T-C.
Other names: short protein forms E1539G.
Identifiers: ClinVar variation 639598 (VCV000639598.12), dbSNP rs1593732502, ClinGen allele CA387379158.

ClinVar aggregate classification (germline): Uncertain significance. Review status: criteria provided, multiple submitters, no conflicts (2 of 4 stars). 2 submissions from 2 submitters: Uncertain significance (2). Last evaluated 2025-08-20.

Conditions:
Hereditary cancer-predisposing syndrome. Also called: Neoplastic Syndromes, Hereditary; Tumor predisposition; Hereditary Cancer Syndrome; Hereditary neoplastic syndrome. Identifiers: Orphanet 140162, MedGen C0027672, MeSH D009386, MONDO:0015356.

Allele frequency attached by ClinVar (database versions not stated): gnomAD exomes below 0.00001.
gnomAD v4.1: 1 of 1,612,250 alleles (0.000062%); highest among the groups gnomAD compares: Non-Finnish European, 0.000085%; no homozygotes.

Submissions (2):

Ambry Genetics
Classification: Uncertain significance for Hereditary cancer-predisposing syndrome. Last evaluated: 2025-08-20. Review status: criteria provided, single submitter. Criteria: Ambry Variant Classification Scheme 2023. Collection method: clinical testing. Allele origin: germline.
Comment: The p.E1539G variant (also known as c.4616A>G), located in coding exon 36 of the POLE gene, results from an A to G substitution at nucleotide position 4616. The glutamic acid at codon 1539 is replaced by glycine, an amino acid with similar properties. This amino acid position is conserved. In addition, this alteration is predicted to be tolerated by in silico analysis. Since supporting evidence is limited at this time, the clinical significance of this alteration remains unclear.

Labcorp Genetics (formerly Invitae), Labcorp
Classification: Uncertain significance. Last evaluated: 2018-10-23. Review status: criteria provided, single submitter. Criteria: Invitae Variant Classification Sherloc (09022015). Collection method: clinical testing. Allele origin: germline.
Comment: This sequence change replaces glutamic acid with glycine at codon 1539 of the POLE protein (p.Glu1539Gly). The glutamic acid residue is weakly conserved and there is a moderate physicochemical difference between glutamic acid and glycine. This variant is not present in population databases (ExAC no frequency). This variant has not been reported in the literature in individuals with POLE-related disease. Algorithms developed to predict the effect of missense changes on protein structure and function output the following: SIFT: "Tolerated"; PolyPhen-2: "Benign"; Align-GVGD: "Class C0". The glycine amino acid residue is found in multiple mammalian species, suggesting that this missense change does not adversely affect protein function. These predictions have not been confirmed by published functional studies and their clinical significance is uncertain. In summary, the available evidence is currently insufficient to determine the role of this variant in disease. Therefore, it has been classified as a Variant of Uncertain Significance.